The following is an entry in ClinVar:

ClinVar aggregate classification (germline): Likely benign (1 of 4 stars; one submission).

Allele frequency attached by ClinVar (database versions not stated): TOPMed 0.00002; gnomAD exomes 0.00004 and 0.00007; ExAC 0.00017.
gnomAD v4.1: 21 of 1,580,096 alleles (0.0013%); highest among the groups gnomAD compares: East Asian, 0.045%; no homozygotes.

Submission:

GeneDx
Classification: Likely benign. Last evaluated: 2016-04-07. Review status: criteria provided, single submitter. Criteria: GeneDx Variant Classification (06012015). Collection method: clinical testing. Allele origin: germline. Affected: yes.
Comment: This variant is considered likely benign or benign based on one or more of the following criteria: it is a conservative change, it occurs at a poorly conserved position in the protein, it is predicted to be benign by multiple in silico algorithms, and/or has population frequency not consistent with disease.

NM_033087.4(ALG2):c.-11G>C

Gene: ALG2 (ALG2 alpha-1,3/1,6-mannosyltransferase; minus strand). Cytogenetic location: 9q22.33.
Variant type: single nucleotide variant.
Coding change: c.-11G>C on transcript NM_033087.4 (MANE Select); 11 bases upstream of the start codon, G replaced by C.
Molecular consequence: 5 prime UTR variant. On other transcripts: non-coding transcript variant (1).
Genome position (GRCh38, 1-based): chr9:99,221,905, C>G on the plus strand (G>C on the coding strand, the complement: ALG2 is on the minus strand). VCF-style: chr9-99221905-C-G. GRCh37 (hg19) VCF-style: chr9-101984187-C-G.
Identifiers: ClinVar variation 384987 (VCV000384987.1), dbSNP rs747415980, ClinGen allele CA5156526.